The following is an entry in ClinVar:

NM_001171613.2(PREPL):c.1013T>C (p.Leu338Pro)

Gene: PREPL (prolyl endopeptidase like; minus strand). Cytogenetic location: 2p21.
Variant type: single nucleotide variant.
Coding change: c.1013T>C on transcript NM_001171613.2 (MANE Select); coding-DNA position 1013, T replaced by C.
Protein change: p.Leu338Pro; replaces leucine 338 with proline.
Molecular consequence: missense variant. On other transcripts: intron variant (1).
Genome position (GRCh38, 1-based): chr2:44,332,532, A>G on the plus strand (T>C on the coding strand, the complement: PREPL is on the minus strand). VCF-style: chr2-44332532-A-G. GRCh37 (hg19) VCF-style: chr2-44559671-A-G.
Other names: c.1094T>C, p.Leu365Pro (NM_001042385.2); c.1280T>C, p.Leu427Pro (NM_001171603.1, NM_001171606.2, NM_001374275.1 and 2 more transcripts); c.1013T>C, p.Leu338Pro (NM_001171617.1, NM_001374277.1); c.1156-3420T>C (NM_001042386.2); short protein forms L427P, L338P, L365P.
Identifiers: ClinVar variation 1360801 (VCV001360801.8), dbSNP rs750867025, ClinGen allele CA1641276.

ClinVar aggregate classification (germline): Uncertain significance (1 of 4 stars; one submission).

Conditions:
Myasthenic syndrome, congenital, 22 (CMS22). Also called: PREPL DEFICIENCY. Identifiers: MedGen C4479088, MONDO:0044299, OMIM 616224.

Allele frequency attached by ClinVar (database versions not stated): gnomAD exomes below 0.00001; ExAC 0.00001.

Submission:

Labcorp Genetics (formerly Invitae), Labcorp
Classification: Uncertain significance for Myasthenic syndrome, congenital, 22. Last evaluated: 2021-06-25. Review status: criteria provided, single submitter. Criteria: Invitae Variant Classification Sherloc (09022015). Collection method: clinical testing. Allele origin: germline.
Comment: In summary, the available evidence is currently insufficient to determine the role of this variant in disease. Therefore, it has been classified as a Variant of Uncertain Significance. Algorithms developed to predict the effect of missense changes on protein structure and function are either unavailable or do not agree on the potential impact of this missense change (SIFT: "Deleterious"; PolyPhen-2: "Probably Damaging"; Align-GVGD: "Class C0"). This variant has not been reported in the literature in individuals affected with PREPL-related conditions. This variant is present in population databases (rs750867025, ExAC 0.02%). This sequence change replaces leucine with proline at codon 427 of the PREPL protein (p.Leu427Pro). The leucine residue is highly conserved and there is a moderate physicochemical difference between leucine and proline.